The following continues an entry in ClinVar:

NM_000059.4(BRCA2):c.7786G>A (p.Gly2596Arg)

Gene: BRCA2. ClinVar aggregate classification (germline): Uncertain significance. Uncertain significance (1).

Submissions 7 to 12 of 12:

Women's Health and Genetics/Laboratory Corporation of America, LabCorp
Classification: Likely pathogenic for Hereditary breast ovarian cancer syndrome. Last evaluated: 2021-04-18. Review status: criteria provided, single submitter. Criteria: LabCorp Variant Classification Summary - May 2015. Collection method: clinical testing. Allele origin: germline. Not counted in ClinVar's aggregate classification.
Comment: Variant summary: BRCA2 c.7786G>A (p.Gly2596Arg) results in a non-conservative amino acid change located in the breast cancer type 2 susceptibility protein, helical domain (IPR015252) of the encoded protein sequence. Five of five in-silico tools predict a damaging effect of the variant on protein function. The variant allele was found at a frequency of 4e-06 in 251378 control chromosomes. c.7786G>A has been reported in the literature as a VUS in at-least one individual affected with male breast cancer (Rizzolo_2019). This report does not provide unequivocal conclusions about association of the variant with Hereditary Breast And Ovarian Cancer Syndrome. Multiple publications report experimental evidence evaluating an impact on protein function. The most pronounced variant effect results in loss of normal homology directed repair (HDR) activity and a non-functional impact using a well-established mouse embryonic stem cell based assay (example, Biswas_2020, Guidugli_2018). Seven clinical diagnostic laboratories have submitted clinical-significance assessments for this variant to ClinVar after 2014 without evidence for independent evaluation (VUS, n=6). At-least one submitter reports a likely pathogenic classiciation using overlapping functional evidence utilized in the context of this evaluation. Based on the evidence outlined above, the variant was classified as likely pathogenic.

GeneDx
Classification: Uncertain significance. Last evaluated: 2020-03-04. Review status: criteria provided, single submitter. Criteria: GeneDx Variant Classification Process June 2021. Collection method: clinical testing. Allele origin: germline. Affected: yes. Not counted in ClinVar's aggregate classification.
Comment: Not observed at a significant frequency in large population cohorts (Lek 2016); In silico analysis supports that this missense variant does not alter protein structure/function; Also known as 8014G>A; Published functional studies demonstrate impaired homology directed repair activity (Guidugli 2018, Hart 2018); This variant is associated with the following publications: (PMID: 29394989, 30254663, 29884841)

CHEO Genetics Diagnostic Laboratory, Children's Hospital of Eastern Ontario
Classification: Uncertain significance for Breast and/or ovarian cancer. Last evaluated: 2017-05-12. Review status: criteria provided, single submitter. Criteria: ACMG Guidelines, 2015. Collection method: clinical testing. Allele origin: germline. Study: Canadian Open Genetics Repository. Not counted in ClinVar's aggregate classification.

Department of Medical and Surgical Sciences, University of Bologna
Classification: Uncertain significance for Breast-ovarian cancer, familial, susceptibility to, 2. Last evaluated: 2023-09-01. Review status: no assertion criteria provided. Collection method: clinical testing. Allele origin: germline. Affected: yes. Not counted in ClinVar's aggregate classification.
Comment: PS3(Strong)+PM2(Supporting)+PP3(Supporting)+BP5(Supporting) according to ACMG/AMP classification guidelines specified for BRCA1 & BRCA2 (Classification Criteria V1.0.0 2023-09-08) (PMID: 38160042)

Counsyl
Classification: Uncertain significance for Breast-ovarian cancer, familial, susceptibility to, 2. Last evaluated: 2016-08-02. Review status: no assertion criteria provided. Collection method: clinical testing. Allele origin: unknown. Not counted in ClinVar's aggregate classification.

Sharing Clinical Reports Project (SCRP)
Classification: Uncertain significance for Breast-ovarian cancer, familial 2. Last evaluated: 2010-03-23. Review status: no assertion criteria provided. Collection method: clinical testing. Allele origin: germline. Not counted in ClinVar's aggregate classification.

Literature cited by the submitters: PubMed 29394989 (cited by 5 submitters); PubMed 29884841 (cited by 3 submitters); PubMed 33609447 (cited by 4 submitters); PubMed 21520333 (cited by Labcorp Genetics (formerly Invitae), Labcorp); PubMed 30613976 (cited by 4 submitters); PubMed 33293522 (cited by 4 submitters); PubMed 34597585 (cited by Labcorp Genetics (formerly Invitae), Labcorp); PubMed 30254663 (cited by Color Diagnostics, LLC DBA Color Health and Quest Diagnostics Nichols Institute San Juan Capistrano); PubMed 31853058 (cited by Color Diagnostics, LLC DBA Color Health); PubMed 39779848 (cited by Color Diagnostics, LLC DBA Color Health); PubMed 39779857 (cited by Color Diagnostics, LLC DBA Color Health); PubMed 40413188 (cited by Color Diagnostics, LLC DBA Color Health); PubMed 26295337 (cited by Quest Diagnostics Nichols Institute San Juan Capistrano).